The following is an entry in ClinVar:

ClinVar aggregate classification (germline): Likely benign. Review status: criteria provided, multiple submitters, no conflicts (2 of 4 stars). 2 submissions from 2 submitters: Likely benign (2). Last evaluated 2018-06-16.

Allele frequency attached by ClinVar (database versions not stated): 1000 Genomes Project 30x 0.01156; 1000 Genomes Project 0.01178; gnomAD 0.01709 and 0.01720; TOPMed 0.01768.
gnomAD v4.1: 26,321 of 1,266,100 alleles (2.1%); highest among the groups gnomAD compares: Middle Eastern, 3.6%; 355 homozygotes.

Submissions (2):

GeneDx
Classification: Likely benign. Last evaluated: 2018-06-16. Review status: criteria provided, single submitter. Criteria: GeneDx Variant Classification (06012015). Collection method: clinical testing. Allele origin: germline. Affected: yes.
Comment: This variant is considered likely benign or benign based on one or more of the following criteria: it is a conservative change, it occurs at a poorly conserved position in the protein, it is predicted to be benign by multiple in silico algorithms, and/or has population frequency not consistent with disease.

Breakthrough Genomics
Classification: Likely benign. Review status: criteria provided, single submitter. Criteria: ACMG Guidelines, 2015. Collection method: not provided. Allele origin: germline. Inheritance: Autosomal recessive inheritance. Affected: yes.

NM_001854.4(COL11A1):c.3762+76G>C

Gene: COL11A1 (collagen type XI alpha 1 chain; minus strand). Cytogenetic location: 1p21.1.
Variant type: single nucleotide variant.
Coding change: c.3762+76G>C on transcript NM_001854.4 (MANE Select); 76 bases into the intron after coding-DNA position 3762, G replaced by C.
Molecular consequence: intron variant.
Genome position (GRCh38, 1-based): chr1:102,920,235, C>G on the plus strand (G>C on the coding strand, the complement: COL11A1 is on the minus strand). VCF-style: chr1-102920235-C-G. GRCh37 (hg19) VCF-style: chr1-103385791-C-G.
Other names: c.3645+76G>C (NM_001190709.2); c.3798+76G>C (NM_080629.3); c.3414+76G>C (NM_080630.4).
Identifiers: ClinVar variation 675199 (VCV000675199.2), dbSNP rs142849188, ClinGen allele CA27681530.
Genomic context (GRCh38, chr1:102,920,235, plus strand): 5'-ACTAGATGACATGTGAATCATATAACTATGTAAAAGGCTTAGAAACACACATACTAGAAG[C>G]ACTTAAACTACTACCCAATATTATTACAGTTCTTAATTCATGCTGTTTCAAACTGTGTGT-3'